The following is an entry in ClinVar:

NM_001037333.3(CYFIP2):c.1025A>C (p.Gln342Pro)

Gene: CYFIP2 (cytoplasmic FMR1 interacting protein 2; plus strand). Cytogenetic location: 5q33.3.
Variant type: single nucleotide variant.
Coding change: c.1025A>C on transcript NM_001037333.3 (MANE Select); coding-DNA position 1025, A replaced by C.
Protein change: p.Gln342Pro; replaces glutamine 342 with proline.
Molecular consequence: missense variant.
Genome position (GRCh38, 1-based): chr5:157,311,696, A>C. VCF-style: chr5-157311696-A-C. GRCh37 (hg19) VCF-style: chr5-156738704-A-C.
Other names: c.947A>C, p.Gln316Pro (NM_001291721.2); c.1025A>C, p.Gln342Pro (NM_001291722.2, NM_014376.4); short protein forms Q342P, Q316P.
Identifiers: ClinVar variation 3659643 (VCV003659643.2).

ClinVar aggregate classification (germline): Uncertain significance (1 of 4 stars; one submission).

Submission:

Labcorp Genetics (formerly Invitae), Labcorp
Classification: Uncertain significance. Last evaluated: 2024-07-16. Review status: criteria provided, single submitter. Criteria: Invitae Variant Classification Sherloc (09022015). Collection method: clinical testing. Allele origin: germline.
Comment: This sequence change replaces glutamine, which is neutral and polar, with proline, which is neutral and non-polar, at codon 342 of the CYFIP2 protein (p.Gln342Pro). This variant is not present in population databases (gnomAD no frequency). This variant has not been reported in the literature in individuals affected with CYFIP2-related conditions. Experimental studies and prediction algorithms are not available or were not evaluated, and the functional significance of this variant is currently unknown. In summary, the available evidence is currently insufficient to determine the role of this variant in disease. Therefore, it has been classified as a Variant of Uncertain Significance.